The following is an entry in ClinVar:

NM_000169.3(GLA):c.700G>C (p.Asp234His)

Genes: GLA (galactosidase alpha; minus strand), RPL36A-HNRNPH2 (RPL36A-HNRNPH2 readthrough; plus strand). Cytogenetic location: Xq22.1.
Variant type: single nucleotide variant.
Coding change: c.700G>C on transcript NM_000169.3 (MANE Select); coding-DNA position 700, G replaced by C.
Protein change: p.Asp234His; replaces aspartic acid 234 with histidine.
Molecular consequence: missense variant. On other transcripts: non-coding transcript variant (3), intron variant (2).
Genome position (GRCh38, 1-based): chrX:101,398,886, C>G on the plus strand (G>C on the coding strand, the complement: GLA is on the minus strand). VCF-style: chrX-101398886-C-G. GRCh37 (hg19) VCF-style: chrX-100653874-C-G.
Other names: c.823G>C, p.Asp275His (NM_001406747.1); c.700G>C, p.Asp234His (NM_001406748.1); c.300+3429C>G (NM_001199973.2); c.177+7064C>G (NM_001199974.2); short protein forms D234H, D275H.
Identifiers: ClinVar variation 950513 (VCV000950513.10), dbSNP rs1057524557, ClinGen allele CA413924721.
Genomic context (GRCh38, chrX:101,398,886, plus strand): 5'-CAATTCTCTCCTGGTTAAAAGATGTCCAGTCCAAGATACTCTTTATACTTTTCCAGGAAT[C>G]ATCAATGTCAGCAAAATTTCGCCAGTGATTGCAGTACTGTCGGATTTCTGTATAATTGGG-3'
Protein context (NP_000160.1, residues 224-244): NHWRNFADID[Asp234His]SWKSIKSILD

ClinVar aggregate classification (germline): Uncertain significance (1 of 4 stars; one submission).

Conditions:
Fabry disease. Also called: ALPHA-GALACTOSIDASE A DEFICIENCY; ANDERSON-FABRY DISEASE; CERAMIDE TRIHEXOSIDASE DEFICIENCY; GLA DEFICIENCY; HEREDITARY DYSTOPIC LIPIDOSIS; Fabry's disease. Identifiers: Orphanet 324, MedGen C0002986, MONDO:0010526, OMIM 301500, HP:0001071. Disease mechanism: loss of function, Fabry disease is due to inactivating mutations in the X-linked GLA gene resulting in deficiency of the enzyme Alpha Galactosidase-A..

Submission:

Labcorp Genetics (formerly Invitae), Labcorp
Classification: Uncertain significance for Fabry disease. Last evaluated: 2019-06-21. Review status: criteria provided, single submitter. Criteria: Invitae Variant Classification Sherloc (09022015). Collection method: clinical testing. Allele origin: germline.
Comment: In summary, the available evidence is currently insufficient to determine the role of this variant in disease. Therefore, it has been classified as a Variant of Uncertain Significance. Algorithms developed to predict the effect of missense changes on protein structure and function (SIFT, PolyPhen-2, Align-GVGD) all suggest that this variant is likely to be disruptive, but these predictions have not been confirmed by published functional studies and their clinical significance is uncertain. This variant has not been reported in the literature in individuals with GLA-related conditions. This variant is not present in population databases (ExAC no frequency). This sequence change replaces aspartic acid with histidine at codon 234 of the GLA protein (p.Asp234His). The aspartic acid residue is highly conserved and there is a moderate physicochemical difference between aspartic acid and histidine.